The following is an entry in ClinVar:

NC_000016.10:g.(?_1523498)_(2064447_?)del

Genes: CRAMP1 (cramped chromatin regulator 1; plus strand), EME2 (essential meiotic structure-specific endonuclease subunit 2; plus strand), FAHD1 (fumarylacetoacetate hydrolase domain containing 1; plus strand), GFER (growth factor, augmenter of liver regeneration; plus strand), HAGH (hydroxyacylglutathione hydrolase; minus strand) and 25 more. Cytogenetic location: 16p13.3.
Variant type: Deletion.
Identifiers: ClinVar variation 831814 (VCV000831814.1).

ClinVar aggregate classification (germline): Pathogenic (1 of 4 stars; one submission).

Conditions:
Tuberous sclerosis 2 (TSC2). Identifiers: Orphanet 805, MedGen C1860707, MONDO:0013199, OMIM 613254.

Submission:

Labcorp Genetics (formerly Invitae), Labcorp
Classification: Pathogenic for Tuberous sclerosis 2. Last evaluated: 2019-08-22. Review status: criteria provided, single submitter. Criteria: Invitae Variant Classification Sherloc (09022015). Collection method: clinical testing. Allele origin: germline.
Comment: This variant is a gross deletion of the genomic region encompassing exons 1-15 of the TSC2 gene, which includes the initiator codon. The 5' end of this event is unknown as it extends beyond the assayed region for this gene and therefore may encompass additional genes. The 3' boundary is likely confined to intron 15 of the TSC2 gene. This is expected to result in an absent or disrupted protein product. Similar deletions has been observed in individuals affected with tuberous sclerosis (PMID:20498439, 17287951). Loss-of-function variants in TSC2 are known to be pathogenic (PMID: 10205261, 17304050). For these reasons, this variant has been classified as Pathogenic.

Literature cited by the submitters: PubMed 17287951; PubMed 20498439.